The following is an entry in ClinVar:

NM_017950.4(CCDC40):c.2712-1G>T

Gene: CCDC40 (coiled-coil domain 40 molecular ruler complex subunit; plus strand). Cytogenetic location: 17q25.3.
Variant type: single nucleotide variant.
Coding change: c.2712-1G>T on transcript NM_017950.4 (MANE Select); the canonical splice acceptor site of the intron before coding-DNA position 2712, G replaced by T.
Molecular consequence: splice acceptor variant.
Genome position (GRCh38, 1-based): chr17:80,089,763, G>T. VCF-style: chr17-80089763-G-T. GRCh37 (hg19) VCF-style: chr17-78063562-G-T.
Other names: c.2712-1G>T (NM_001243342.2).
Identifiers: ClinVar variation 407769 (VCV000407769.26), dbSNP rs370706991, ClinGen allele CA8814325.

ClinVar aggregate classification (germline): Pathogenic/Likely pathogenic. Review status: criteria provided, multiple submitters, no conflicts (2 of 4 stars). 11 submissions from 11 submitters: Pathogenic (8); Likely pathogenic (2). 1 of the submissions does not count toward it. Last evaluated 2026-06-23.

Conditions:
CCDC40-related disorder. Also called: CCDC40-related condition.
Fetal anomalies with a likely genetic cause.
Primary ciliary dyskinesia. Also called: Ciliary dyskinesia. Identifiers: Orphanet 244, MedGen C0008780, MONDO:0016575, HP:0012265.
Primary ciliary dyskinesia 15. Also called: CILIARY DYSKINESIA, PRIMARY, 15, WITH OR WITHOUT SITUS INVERSUS. Identifiers: Orphanet 244, MedGen C3151137, MONDO:0013435, OMIM 613808.

Allele frequency attached by ClinVar (database versions not stated): ExAC 0.00003; TOPMed 0.00010; ESP Exome Variant Server 0.00017.
gnomAD v4.1: 216 of 1,614,070 alleles (0.013%); highest among the groups gnomAD compares: Non-Finnish European, 0.018%; no homozygotes.

Submissions (11):

Genetics Laboratory, Great Ormond Street Hospital NHS Foundation Trust, North Thames Genomic Laboratory Hub
Classification: Pathogenic for Fetal anomalies with a likely genetic cause. Last evaluated: 2026-06-23. Review status: criteria provided, single submitter. Criteria: ACGS Best Practice Guidelines for Variant Classification in Rare Disease 2024 v1.2. Collection method: clinical testing. Allele origin: germline. Affected: yes.
Comment: PM2_moderate, PVS1_very-strong, PM3_moderate

Labcorp Genetics (formerly Invitae), Labcorp
Classification: Pathogenic for Primary ciliary dyskinesia. Last evaluated: 2026-01-21. Review status: criteria provided, single submitter. Criteria: Invitae Variant Classification Sherloc (09022015). Collection method: clinical testing. Allele origin: germline.
Comment: This sequence change affects an acceptor splice site in intron 16 of the CCDC40 gene. It is expected to disrupt RNA splicing. Variants that disrupt the donor or acceptor splice site typically lead to a loss of protein function (PMID: 16199547), and loss-of-function variants in CCDC40 are known to be pathogenic (PMID: 21131974, 22693285, 23255504). This variant is present in population databases (rs370706991, gnomAD 0.007%). Disruption of this splice site has been observed in individual(s) with primary ciliary dyskinesia (PMID: 22693285, 23255504). In at least one individual the data is consistent with being in trans (on the opposite chromosome) from a pathogenic variant. ClinVar contains an entry for this variant (Variation ID: 407769). Algorithms developed to predict the effect of sequence changes on RNA splicing suggest that this variant may disrupt the consensus splice site. For these reasons, this variant has been classified as Pathogenic.

Mayo Clinic Laboratories, Mayo Clinic
Classification: Pathogenic. Last evaluated: 2025-09-18. Review status: criteria provided, single submitter. Criteria: ACMG Guidelines, 2015. Collection method: clinical testing. Allele origin: germline. Observed: 1 variant allele.
Comment: PM2_supporting, PM3_strong, PVS1

GeneDx
Classification: Pathogenic. Last evaluated: 2024-12-07. Review status: criteria provided, single submitter. Criteria: GeneDx Variant Classification Process June 2021. Collection method: clinical testing. Allele origin: germline. Affected: yes.
Comment: Has been reported in the published literature in patients with features of primary ciliary dyskinesia either in the homozygous state or with a second variant (PMID: 22693285, 23255504, 31879361); Canonical splice site variant predicted to result in a null allele in a gene for which loss of function is a known mechanism of disease; This variant is associated with the following publications: (PMID: 31879361, 22693285, 23255504)

Ambry Genetics
Classification: Pathogenic for Primary ciliary dyskinesia. Last evaluated: 2024-02-20. Review status: criteria provided, single submitter. Criteria: Ambry Variant Classification Scheme 2023. Collection method: clinical testing. Allele origin: germline.
Comment: The c.2712-1G>T intronic pathogenic mutation results from a G to T substitution one nucleotide upstream from coding exon 17 of the CCDC40 gene. This mutation was identified in two compound heterozygous and two homozygous individuals with primary ciliary dyskinesia (Blanchon S et al. J. Med. Genet., 2012 Jun;49:410-6; Antony D et al. Hum. Mutat., 2013 Mar;34:462-72). In addition to the clinical data presented in the literature, alterations that disrupt the canonical splice site are expected to cause aberrant splicing, resulting in an abnormal protein or a transcript that is subject to nonsense-mediated mRNA decay. As such, this alteration is classified as a disease-causing mutation.

Blueprint Genetics
Classification: Pathogenic for CCDC40-related disorders. Last evaluated: 2022-12-21. Review status: criteria provided, single submitter. Criteria: ACMG Guidelines, 2015. Collection method: clinical testing. Allele origin: germline. Affected: yes. Observed: 5 variant alleles.

Fulgent Genetics
Classification: Likely pathogenic for Primary ciliary dyskinesia 15. Last evaluated: 2022-04-11. Review status: criteria provided, single submitter. Criteria: ACMG Guidelines, 2015. Collection method: clinical testing. Allele origin: unknown.

AiLife Diagnostics
Classification: Pathogenic. Last evaluated: 2022-03-22. Review status: criteria provided, single submitter. Criteria: ACMG Guidelines, 2015. Collection method: clinical testing. Allele origin: germline. Affected: yes. Observed: 1 variant allele.

Cambridge Genomics Laboratory, East Genomic Laboratory Hub, NHS Genomic Medicine Service
Classification: Pathogenic for Primary ciliary dyskinesia. Last evaluated: 2019-12-11. Review status: criteria provided, single submitter. Criteria: ACGS Best Practice Guidelines for Variant Classification in Rare Disease 2020. Collection method: clinical testing. Allele origin: germline. Affected: yes. Observed: 1 variant allele.

Illumina Laboratory Services, Illumina
Classification: Likely pathogenic for Primary ciliary dyskinesia 15. Last evaluated: 2018-10-19. Review status: criteria provided, single submitter. Criteria: ICSL Variant Classification Criteria 09 May 2019. Collection method: clinical testing. Allele origin: germline.
Comment: The CCDC40 c.2712-1G>T variant occurs in a canonical splice site (acceptor) and is therefore predicted to disrupt or distort the normal gene product. The c.2712-1G>T variant has been reported in two studies and is found in a total of five patients with inner dynein arm defects including three in a homozygous state and two in a compound heterozygous state (Antony et al. 2013; Blanchon et al. 2012). Two of the homozygotes are siblings (Antony et al. 2013). The variant is also found in four unaffected individuals in a heterozygous state (Antony et al. 2013). Control data are unavailable for this variant, which is reported at a frequency of 0.000071 in the European (non-Finnish) population of the Genome Aggregation Database. Based on the evidence, including the potential impact of splice acceptor variants, the c.2712-1G>T variant is classified as likely pathogenic for primary ciliary dyskinesia. This variant was observed by ICSL as part of a predisposition screen in an ostensibly healthy population.

PreventionGenetics, part of Exact Sciences
Classification: Pathogenic for CCDC40-related condition. Last evaluated: 2023-11-21. Review status: no assertion criteria provided. Collection method: clinical testing. Allele origin: germline. Not counted in ClinVar's aggregate classification.
Comment: The CCDC40 c.2712-1G>T variant is predicted to disrupt the AG splice acceptor site and interfere with normal splicing. This variant is documented causative for primary ciliary dyskinesia (PCD) (Blanchon et al. 2012. PubMed ID: 22693285). Biallelic pathogenic variants in CCDC40 are known to cause defects in inner dynein arm (IDA) assembly, as well as generalized axonemal disorganization (Becker-Heck et al. 2011. PubMed ID: 21131974; Antony et al. 2011. PubMed ID: 23255504). This variant is reported in 0.0085% of alleles in individuals of European (Non-Finnish) descent in gnomAD. Variants that disrupt the consensus splice acceptor site in CCDC40 are expected to be pathogenic. This variant is interpreted as pathogenic.

Literature cited by the submitters: PubMed 16199547 (cited by Labcorp Genetics (formerly Invitae), Labcorp); PubMed 21131974 (cited by Labcorp Genetics (formerly Invitae), Labcorp); PubMed 22693285 (cited by 5 submitters); PubMed 23255504 (cited by 4 submitters); PubMed 31879361 (cited by Mayo Clinic Laboratories, Mayo Clinic and AiLife Diagnostics).